The following is an entry in ClinVar:

NM_000098.3(CPT2):c.559dup (p.Thr187fs)

Gene: CPT2 (carnitine palmitoyltransferase 2; plus strand). Cytogenetic location: 1p32.3.
Variant type: Duplication.
Coding change: c.559dup on transcript NM_000098.3 (MANE Select); coding-DNA position 559, one base duplicated (A; older notation c.559dupA).
Protein change: p.Thr187fs; shifts the reading frame from threonine 187.
Molecular consequence: frameshift variant.
Genome position (GRCh38, 1-based): chr1:53,210,233, A duplicated. VCF-style (leftmost placement, unchanged base first): chr1-53210232-C-CA. GRCh37 (hg19) VCF-style: chr1-53675904-C-CA.
Other names: c.559dup, p.Thr187fs (NM_001330589.2); short protein forms T187fs.
Identifiers: ClinVar variation 4817421 (VCV004817421.1).

ClinVar aggregate classification (germline): Likely pathogenic (1 of 4 stars; one submission).

Conditions:
Carnitine palmitoyltransferase II deficiency. Also called: Carnitine Palmitoyltransferase 2 Deficiency. Identifiers: Orphanet 157, MedGen C0342790, MONDO:0015515.

Submission:

Natera, Inc.
Classification: Likely pathogenic for Carnitine palmitoyltransferase II deficiency. Last evaluated: 2025-09-07. Review status: criteria provided, single submitter. Criteria: Natera Variant Classification Schema (03/2026). Collection method: clinical testing. Allele origin: germline.
Comment: The c.559dup variant in CPT2 is a frameshift variant predicted to shift the reading frame beginning at codon 187 and leads to a stop codon 47 codons downstream. This variant is expected to result in nonsense mediated decay, truncation, or a dysfunctional protein product. This variant is rare in the general population with a frequency below the threshold expected for the associated phenotype(s). Given the available evidence, this variant is classified as Likely Pathogenic.